The following is an entry in ClinVar:

NM_005902.4(SMAD3):c.303C>G (p.His101Gln)

Gene: SMAD3 (SMAD family member 3; plus strand). Cytogenetic location: 15q22.33.
Variant type: single nucleotide variant.
Coding change: c.303C>G on transcript NM_005902.4 (MANE Select); coding-DNA position 303, C replaced by G.
Protein change: p.His101Gln; replaces histidine 101 with glutamine.
Molecular consequence: missense variant. On other transcripts: 5 prime UTR variant (1).
Genome position (GRCh38, 1-based): chr15:67,164,991, C>G. VCF-style: chr15-67164991-C-G. GRCh37 (hg19) VCF-style: chr15-67457329-C-G.
Other names: c.-13C>G (NM_001145102.2, NM_001407015.1, NM_001407016.1); c.171C>G, p.His57Gln (NM_001145103.2); c.303C>G, p.His101Gln (NM_001407011.1, NM_001407012.1, NM_001407013.1); c.156C>G, p.His52Gln (NM_001407014.1); short protein forms H52Q, H101Q, H57Q.
Identifiers: ClinVar variation 2056279 (VCV002056279.4), dbSNP rs762889441, ClinGen allele CA392953976.

ClinVar aggregate classification (germline): Uncertain significance (1 of 4 stars; one submission).

Conditions:
Familial thoracic aortic aneurysm and aortic dissection (TAAD). Also called: Thoracic aortic aneurysms and dissections. Identifiers: Orphanet 91387, MedGen C4707243, MONDO:0019625.

Submission:

Labcorp Genetics (formerly Invitae), Labcorp
Classification: Uncertain significance for Familial thoracic aortic aneurysm and aortic dissection. Last evaluated: 2021-12-29. Review status: criteria provided, single submitter. Criteria: Invitae Variant Classification Sherloc (09022015). Collection method: clinical testing. Allele origin: germline.
Comment: This sequence change replaces histidine, which is basic and polar, with glutamine, which is neutral and polar, at codon 101 of the SMAD3 protein (p.His101Gln). This variant is not present in population databases (gnomAD no frequency). This variant has not been reported in the literature in individuals affected with SMAD3-related conditions. Advanced modeling of protein sequence and biophysical properties (such as structural, functional, and spatial information, amino acid conservation, physicochemical variation, residue mobility, and thermodynamic stability) performed at Invitae indicates that this missense variant is not expected to disrupt SMAD3 protein function. In summary, the available evidence is currently insufficient to determine the role of this variant in disease. Therefore, it has been classified as a Variant of Uncertain Significance.